The following is an entry in ClinVar:

NM_206933.4(USH2A):c.4886-12C>T

Genes: USH2A (usherin; minus strand), USH2A-AS2 (USH2A antisense RNA 2; plus strand). Cytogenetic location: 1q41.
Variant type: single nucleotide variant.
Coding change: c.4886-12C>T on transcript NM_206933.4 (MANE Select); 12 bases into the intron before coding-DNA position 4886, C replaced by T.
Molecular consequence: intron variant. On other transcripts: non-coding transcript variant (2).
Genome position (GRCh38, 1-based): chr1:216,086,832, G>A on the plus strand (C>T on the coding strand, the complement: USH2A is on the minus strand). VCF-style: chr1-216086832-G-A. GRCh37 (hg19) VCF-style: chr1-216260174-G-A.
Identifiers: ClinVar variation 504706 (VCV000504706.10), dbSNP rs199823130, ClinGen allele CA1395587.

ClinVar aggregate classification (germline): Likely benign. Review status: criteria provided, multiple submitters, no conflicts (2 of 4 stars). 4 submissions from 3 submitters: Likely benign (4). Last evaluated 2025-08-20.

Conditions:
Retinitis pigmentosa 39 (RP39). Identifiers: Orphanet 791, MedGen C3151138, MONDO:0013436, OMIM 613809.
Usher syndrome type 2A. Also called: USHER SYNDROME, TYPE IIA; RETINAL DISEASE IN USHER SYNDROME TYPE IIA, MODIFIER OF. Identifiers: Orphanet 231178, Orphanet 886, MedGen C1848634, MONDO:0010169, OMIM 276901.

Allele frequency attached by ClinVar (database versions not stated): gnomAD exomes 0.00001 and 0.00004; ExAC 0.00004; TOPMed 0.00005; gnomAD 0.00006 and 0.00010; ESP Exome Variant Server 0.00008; 1000 Genomes Project 30x 0.00078; 1000 Genomes Project 0.00080.
gnomAD v4.1: 29 of 1,598,554 alleles (0.0018%); highest among the groups gnomAD compares: East Asian, 0.029%; 1 homozygote.

Submissions (4):

Labcorp Genetics (formerly Invitae), Labcorp
Classification: Likely benign. Last evaluated: 2025-08-20. Review status: criteria provided, single submitter. Criteria: Invitae Variant Classification Sherloc (09022015). Collection method: clinical testing. Allele origin: germline.

Genome-Nilou Lab
Classification: Likely benign for Retinitis pigmentosa 39. Last evaluated: 2023-04-11. Review status: criteria provided, single submitter. Criteria: ACMG Guidelines, 2015. Collection method: clinical testing. Allele origin: germline. Affected: no.

Genome-Nilou Lab
Classification: Likely benign for Usher syndrome type 2A. Last evaluated: 2023-04-11. Review status: criteria provided, single submitter. Criteria: ACMG Guidelines, 2015. Collection method: clinical testing. Allele origin: germline. Affected: no.

Laboratory for Molecular Medicine, Mass General Brigham Personalized Medicine
Classification: Likely benign. Last evaluated: 2017-07-20. Review status: criteria provided, single submitter. Criteria: LMM Criteria. Collection method: clinical testing. Allele origin: germline. Observed: 1 variant allele.
Comment: c.4886-12C>T in intron 23 of USH2A: This variant is not expected to have clinica l significance because a C>T change at this position does not diverge from the s plice consensus sequence and is therefore unlikely to impact splicing. It has be en identified in 6/18800 East Asian and 6/23898 African chromosomes by the Genom e Aggregation Database (gnomAD; dbSNP rs199823 130).